The following is an entry in ClinVar:

NM_144670.6(A2ML1):c.3392C>T (p.Thr1131Met)

Gene: A2ML1 (alpha-2-macroglobulin like 1; plus strand). Cytogenetic location: 12p13.31.
Variant type: single nucleotide variant.
Coding change: c.3392C>T on transcript NM_144670.6 (MANE Select); coding-DNA position 3392, C replaced by T.
Protein change: p.Thr1131Met; replaces threonine 1131 with methionine.
Molecular consequence: missense variant.
Genome position (GRCh38, 1-based): chr12:8,861,187, C>T. VCF-style: chr12-8861187-C-T. GRCh37 (hg19) VCF-style: chr12-9013783-C-T.
Other names: c.1919C>T, p.Thr640Met (NM_001282424.3); short protein forms T1131M, T640M.
Identifiers: ClinVar variation 241905 (VCV000241905.17), dbSNP rs7959680, ClinGen allele CA6436371.

ClinVar aggregate classification (germline): Benign. Review status: criteria provided, multiple submitters, no conflicts (2 of 4 stars). 5 submissions from 5 submitters: Benign (3). 2 of the submissions do not count toward it. Last evaluated 2026-02-01.

Allele frequency attached by ClinVar (database versions not stated): gnomAD exomes 0.00240 and 0.00367; ExAC 0.00456; 1000 Genomes Project 0.01238; gnomAD 0.01257 and 0.01340; 1000 Genomes Project 30x 0.01265; ESP Exome Variant Server 0.01283; TOPMed 0.01413.
gnomAD v4.1: 5,518 of 1,614,122 alleles (0.34%); highest among the groups gnomAD compares: African/African-American, 4.2%; 89 homozygotes.

Submissions (5):

Labcorp Genetics (formerly Invitae), Labcorp
Classification: Benign. Last evaluated: 2026-02-01. Review status: criteria provided, single submitter. Criteria: Invitae Variant Classification Sherloc (09022015). Collection method: clinical testing. Allele origin: germline.

Women's Health and Genetics/Laboratory Corporation of America, LabCorp
Classification: Benign. Last evaluated: 2019-09-30. Review status: criteria provided, single submitter. Criteria: LabCorp Variant Classification Summary - May 2015. Collection method: clinical testing. Allele origin: germline.
Comment: Variant summary: A2ML1 c.3392C>T (p.Thr1131Met) results in a non-conservative amino acid change located in the Alpha-macroglobulin like TET domain (IPRO11626) of the encoded protein sequence. Three of five in-silico tools predict a damaging effect of the variant on protein function. The variant allele was found at a frequency of 0.0037 in 249544 control chromosomes in the gnomAD database, including 16 homozygotes. The observed variant frequency is approximately 919 fold of the estimated maximal expected allele frequency for a pathogenic variant in A2ML1 causing Noonan Syndrome phenotype (4e-06), strongly suggesting that the variant is benign. To our knowledge, no occurrence of c.3392C>T in individuals affected with Noonan Syndrome and no experimental evidence demonstrating its impact on protein function have been reported. Two clinical diagnostic laboratories have submitted clinical-significance assessments for this variant to ClinVar after 2014 without evidence for independent evaluation. All laboratories classified the variant as benign. Based on the evidence outlined above, the variant was classified as benign.

GeneDx
Classification: Benign. Last evaluated: 2017-05-15. Review status: criteria provided, single submitter. Criteria: GeneDx Variant Classification (06012015). Collection method: clinical testing. Allele origin: germline. Affected: yes.
Comment: This variant is considered likely benign or benign based on one or more of the following criteria: it is a conservative change, it occurs at a poorly conserved position in the protein, it is predicted to be benign by multiple in silico algorithms, and/or has population frequency not consistent with disease.

Clinical Genetics, Academic Medical Center
Classification: Benign. Review status: no assertion criteria provided. Collection method: clinical testing. Allele origin: germline. Affected: yes. Study: VKGL Data-share Consensus. Not counted in ClinVar's aggregate classification.

Joint Genome Diagnostic Labs from Nijmegen and Maastricht, Radboudumc and MUMC+
Classification: Benign. Review status: no assertion criteria provided. Collection method: clinical testing. Allele origin: germline. Affected: yes. Study: VKGL Data-share Consensus. Not counted in ClinVar's aggregate classification.